The following is an entry in ClinVar:

ClinVar aggregate classification (germline): Benign. Review status: criteria provided, multiple submitters, no conflicts (2 of 4 stars). 3 submissions from 3 submitters: Benign (3). Last evaluated 2023-11-12.

Allele frequency attached by ClinVar (database versions not stated): gnomAD exomes 0.31040; gnomAD 0.31331 and 0.32033; TOPMed 0.32599; 1000 Genomes Project 30x 0.40943; 1000 Genomes Project 0.41354.
gnomAD v4.1: 259,290 of 829,746 alleles (31%); highest among the groups gnomAD compares: East Asian, 59%; 43,653 homozygotes.

Submissions (3):

Unidad de Genómica Garrahan, Hospital de Pediatría Garrahan
Classification: Benign. Last evaluated: 2023-11-12. Review status: criteria provided, single submitter. Criteria: ACMG Guidelines, 2015. Collection method: clinical testing. Allele origin: germline. Affected: no. Observed: 45 variant alleles.
Comment: This variant is classified as Benign based on local population frequency. This variant was detected in 47% of patients studied by a panel of primary immunodeficiencies. Number of patients: 45. Only high quality variants are reported.

GeneDx
Classification: Benign. Last evaluated: 2018-06-26. Review status: criteria provided, single submitter. Criteria: GeneDx Variant Classification Process June 2021. Collection method: clinical testing. Allele origin: germline. Affected: yes.

Breakthrough Genomics
Classification: Benign. Review status: criteria provided, single submitter. Criteria: ACMG Guidelines, 2015. Collection method: not provided. Allele origin: germline. Inheritance: Unknown mechanism. Affected: yes.

NM_001375808.2(LPIN2):c.1169-88C>G

Gene: LPIN2 (lipin 2; minus strand). Cytogenetic location: 18p11.31.
Variant type: single nucleotide variant.
Coding change: c.1169-88C>G on transcript NM_001375808.2 (MANE Select); 88 bases into the intron before coding-DNA position 1169, C replaced by G.
Molecular consequence: intron variant.
Genome position (GRCh38, 1-based): chr18:2,934,538, G>C on the plus strand (C>G on the coding strand, the complement: LPIN2 is on the minus strand). VCF-style: chr18-2934538-G-C. GRCh37 (hg19) VCF-style: chr18-2934536-G-C.
Other names: c.1169-88C>G (NM_014646.2, NM_001375809.1).
Identifiers: ClinVar variation 1279790 (VCV001279790.4), dbSNP rs3765622, ClinGen allele CA14543803.